The following is an entry in ClinVar:

ClinVar aggregate classification (germline): Uncertain significance. Review status: criteria provided, multiple submitters, no conflicts (2 of 4 stars). 2 submissions from 2 submitters: Uncertain significance (2). Last evaluated 2024-04-04.

Conditions:
Nemaline myopathy 2 (NEM2). Also called: Nemaline myopathy 2, autosomal recessive. Identifiers: MedGen C1850569, MONDO:0009725, OMIM 256030.

Allele frequency attached by ClinVar (database versions not stated): TOPMed below 0.00001; gnomAD 0.00001; gnomAD exomes 0.00001; ExAC 0.00002.
gnomAD v4.1: 19 of 1,583,436 alleles (0.0012%); highest among the groups gnomAD compares: Admixed American, 0.0036%; no homozygotes.

Submissions (2):

Genomic Medicine Center of Excellence, King Faisal Specialist Hospital and Research Centre
Classification: Uncertain significance for Nemaline myopathy 2. Last evaluated: 2024-04-04. Review status: criteria provided, single submitter. Criteria: ACMG Guidelines, 2015. Collection method: clinical testing. Allele origin: germline.

Labcorp Genetics (formerly Invitae), Labcorp
Classification: Uncertain significance for Nemaline myopathy 2. Last evaluated: 2021-11-02. Review status: criteria provided, single submitter. Criteria: Invitae Variant Classification Sherloc (09022015). Collection method: clinical testing. Allele origin: germline.
Comment: This sequence change replaces arginine, which is basic and polar, with cysteine, which is neutral and slightly polar, at codon 8390 of the NEB protein (p.Arg8390Cys). The frequency data for this variant in the population databases is considered unreliable, as metrics indicate poor data quality at this position in the gnomAD database. This variant has not been reported in the literature in individuals affected with NEB-related conditions. Algorithms developed to predict the effect of missense changes on protein structure and function are either unavailable or do not agree on the potential impact of this missense change (SIFT: "Deleterious"; PolyPhen-2: "Not Available"; Align-GVGD: "Class C0"). In summary, the available evidence is currently insufficient to determine the role of this variant in disease. Therefore, it has been classified as a Variant of Uncertain Significance.

NM_001164508.2(NEB):c.25063C>T (p.Arg8355Cys)

Genes: NEB (nebulin; minus strand), RIF1 (replication timing regulatory factor 1; plus strand). Cytogenetic location: 2q23.3.
Variant type: single nucleotide variant.
Coding change: c.25063C>T on transcript NM_001164508.2 (MANE Select); coding-DNA position 25063, C replaced by T.
Protein change: p.Arg8355Cys; replaces arginine 8355 with cysteine.
Molecular consequence: missense variant.
Genome position (GRCh38, 1-based): chr2:151,491,770, G>A on the plus strand (C>T on the coding strand, the complement: NEB is on the minus strand). VCF-style: chr2-151491770-G-A. GRCh37 (hg19) VCF-style: chr2-152348284-G-A.
Other names: c.25063C>T, p.Arg8355Cys (NM_001164507.2); c.25168C>T, p.Arg8390Cys (NM_001271208.2); c.19495C>T, p.Arg6499Cys (NM_004543.5); short protein forms R6499C, R8390C, R8355C.
Identifiers: ClinVar variation 1432515 (VCV001432515.4), dbSNP rs745632829, ClinGen allele CA1905825.